The following is an entry in ClinVar:

ClinVar aggregate classification (germline): Uncertain significance. Review status: criteria provided, multiple submitters, no conflicts (2 of 4 stars). 3 submissions from 3 submitters: Uncertain significance (3). Last evaluated 2024-12-11.

Conditions:
Congenital myasthenic syndrome 8. Also called: MYASTHENIC SYNDROME, CONGENITAL, DUE TO AGRIN DEFICIENCY; Myasthenic syndrome, congenital, 8, with pre- and postsynaptic defects. Identifiers: Orphanet 590, MedGen C3808739, MONDO:0014052, OMIM 615120.
Inborn genetic diseases. Identifiers: MedGen C0950123, MeSH D030342.

Allele frequency attached by ClinVar (database versions not stated): gnomAD 0.00006; ExAC 0.00011; TOPMed 0.00010; ESP Exome Variant Server 0.00008.
gnomAD v4.1: 278 of 1,598,044 alleles (0.017%); highest among the groups gnomAD compares: South Asian, 0.026%; no homozygotes.

Submissions (3):

Ambry Genetics
Classification: Uncertain significance for Inborn genetic diseases. Last evaluated: 2024-12-11. Review status: criteria provided, single submitter. Criteria: Ambry Variant Classification Scheme 2023. Collection method: clinical testing. Allele origin: germline.

Revvity Omics, Revvity
Classification: Uncertain significance for Congenital myasthenic syndrome 8. Last evaluated: 2024-04-23. Review status: criteria provided, single submitter. Criteria: ACMG Guidelines, 2015. Collection method: clinical testing. Allele origin: germline.

Labcorp Genetics (formerly Invitae), Labcorp
Classification: Uncertain significance for Congenital myasthenic syndrome 8. Last evaluated: 2022-06-20. Review status: criteria provided, single submitter. Criteria: Invitae Variant Classification Sherloc (09022015). Collection method: clinical testing. Allele origin: germline.
Comment: This sequence change replaces serine, which is neutral and polar, with leucine, which is neutral and non-polar, at codon 1469 of the AGRN protein (p.Ser1469Leu). This variant is present in population databases (rs200646795, gnomAD 0.03%). This variant has not been reported in the literature in individuals affected with AGRN-related conditions. ClinVar contains an entry for this variant (Variation ID: 541151). Algorithms developed to predict the effect of missense changes on protein structure and function are either unavailable or do not agree on the potential impact of this missense change (SIFT: "Deleterious"; PolyPhen-2: "Probably Damaging"; Align-GVGD: "Class C0"). In summary, the available evidence is currently insufficient to determine the role of this variant in disease. Therefore, it has been classified as a Variant of Uncertain Significance.

NM_198576.4(AGRN):c.4406C>T (p.Ser1469Leu)

Gene: AGRN (agrin; plus strand). Cytogenetic location: 1p36.33.
Variant type: single nucleotide variant.
Coding change: c.4406C>T on transcript NM_198576.4 (MANE Select); coding-DNA position 4406, C replaced by T.
Protein change: p.Ser1469Leu; replaces serine 1469 with leucine.
Molecular consequence: missense variant.
Genome position (GRCh38, 1-based): chr1:1,049,343, C>T. VCF-style: chr1-1049343-C-T. GRCh37 (hg19) VCF-style: chr1-984723-C-T.
Other names: c.4406C>T, p.Ser1469Leu (NM_001305275.2); c.4091C>T, p.Ser1364Leu (NM_001364727.2); short protein forms S1469L, S1364L.
Identifiers: ClinVar variation 541151 (VCV000541151.8), dbSNP rs200646795, ClinGen allele CA509451.